The following is an entry in ClinVar:

NM_182920.2(ADAMTS9):c.4735A>G (p.Lys1579Glu)

Gene: ADAMTS9 (ADAM metallopeptidase with thrombospondin type 1 motif 9; minus strand). Cytogenetic location: 3p14.1.
Variant type: single nucleotide variant.
Coding change: c.4735A>G on transcript NM_182920.2 (MANE Select); coding-DNA position 4735, A replaced by G.
Protein change: p.Lys1579Glu; replaces lysine 1579 with glutamic acid.
Molecular consequence: missense variant.
Genome position (GRCh38, 1-based): chr3:64,551,026, T>C on the plus strand (A>G on the coding strand, the complement: ADAMTS9 is on the minus strand). VCF-style: chr3-64551026-T-C. GRCh37 (hg19) VCF-style: chr3-64536702-T-C.
Other names: c.4651A>G, p.Lys1551Glu (NM_001318781.2); short protein forms K1551E, K1579E.
Identifiers: ClinVar variation 3036245 (VCV003036245.2), dbSNP rs17071010, ClinGen allele CA2480399.

ClinVar aggregate classification (germline): Likely benign (0 of 4 stars; one submission).

Conditions:
ADAMTS9-related disorder. Also called: ADAMTS9-related condition.

Allele frequency attached by ClinVar (database versions not stated): gnomAD exomes 0.00006; ExAC 0.00019; 1000 Genomes Project 0.00040; 1000 Genomes Project 30x 0.00047; gnomAD 0.00057; TOPMed 0.00063; ESP Exome Variant Server 0.00092.
gnomAD v4.1: 177 of 1,614,146 alleles (0.011%); highest among the groups gnomAD compares: African/African-American, 0.21%; 2 homozygotes.

Submission:

PreventionGenetics, part of Exact Sciences
Classification: Likely benign for ADAMTS9-related condition. Last evaluated: 2023-01-05. Review status: no assertion criteria provided. Collection method: clinical testing. Allele origin: germline.
Comment: This variant is classified as likely benign based on ACMG/AMP sequence variant interpretation guidelines (Richards et al. 2015 PMID: 25741868, with internal and published modifications).